The following is an entry in ClinVar:

ClinVar aggregate classification (germline): Likely pathogenic (1 of 4 stars; one submission).

Submission:

GeneDx
Classification: Likely pathogenic. Last evaluated: 2024-03-07. Review status: criteria provided, single submitter. Criteria: GeneDx Variant Classification Process June 2021. Collection method: clinical testing. Allele origin: germline. Affected: yes.
Comment: Frameshift variant predicted to result in protein truncation or nonsense mediated decay in a gene for which loss-of-function is a known mechanism of disease; Not observed in large population cohorts (gnomAD); Has not been previously published as pathogenic or benign to our knowledge

NM_025137.4(SPG11):c.2757_2775del (p.Leu920fs)

Gene: SPG11 (SPG11 vesicle trafficking associated, spatacsin; minus strand). Cytogenetic location: 15q21.1.
Variant type: Deletion.
Coding change: c.2757_2775del on transcript NM_025137.4 (MANE Select); coding-DNA positions 2757 to 2775, 19 bases deleted (TCTGACTGTTGATGTTATT).
Protein change: p.Leu920fs; shifts the reading frame from leucine 920.
Molecular consequence: frameshift variant.
Genome position (GRCh38, 1-based): chr15:44,620,249-44,620,267, AATAACATCAACAGTCAGA deleted on the plus strand (TCTGACTGTTGATGTTATT on the coding strand, the reverse complement: SPG11 is on the minus strand); deleting any 19 consecutive bases within chr15:44,620,249-44,620,268 gives the same sequence; the c. name uses the placement nearest the transcript's 3' end. VCF-style (leftmost placement, unchanged base first): chr15-44620248-TAATAACATCAACAGTCAGA-T. GRCh37 (hg19) VCF-style: chr15-44912446-TAATAACATCAACAGTCAGA-T.
Other names: c.2757_2775del, p.Leu920fs (NM_001160227.2); c.2757_2775del19 (NM_025137.3); c.2757_2775del (NM_025137.3); short protein forms L920fs.
Identifiers: ClinVar variation 818048 (VCV000818048.2), dbSNP rs1595888828, ClinGen allele CA915946567.